The following is an entry in ClinVar:

NM_016579.4(CD320):c.521C>T (p.Pro174Leu)

Gene: CD320 (CD320 molecule; minus strand). Cytogenetic location: 19p13.2.
Variant type: single nucleotide variant.
Coding change: c.521C>T on transcript NM_016579.4 (MANE Select); coding-DNA position 521, C replaced by T.
Protein change: p.Pro174Leu; replaces proline 174 with leucine.
Molecular consequence: missense variant.
Genome position (GRCh38, 1-based): chr19:8,302,962, G>A on the plus strand (C>T on the coding strand, the complement: CD320 is on the minus strand). VCF-style: chr19-8302962-G-A. GRCh37 (hg19) VCF-style: chr19-8367846-G-A.
Other names: c.395C>T, p.Pro132Leu (NM_001165895.2); short protein forms P174L, P132L.
Identifiers: ClinVar variation 2060586 (VCV002060586.4), dbSNP rs368024906, ClinGen allele CA9154692.

ClinVar aggregate classification (germline): Uncertain significance (1 of 4 stars; one submission).

Conditions:
Methylmalonic acidemia due to transcobalamin receptor defect (MATR). Also called: METHYLMALONIC ACIDURIA, TRANSIENT, DUE TO TRANSCOBALAMIN RECEPTOR DEFECT; METHYLMALONIC ACIDEMIA, TCblR TYPE. Identifiers: Orphanet 280183, MedGen C4749905, MONDO:0013341, OMIM 613646.

Allele frequency attached by ClinVar (database versions not stated): gnomAD 0.00001; ESP Exome Variant Server 0.00008; TOPMed below 0.00001; ExAC 0.00003.

Submission:

Labcorp Genetics (formerly Invitae), Labcorp
Classification: Uncertain significance for Methylmalonic acidemia due to transcobalamin receptor defect. Last evaluated: 2024-12-16. Review status: criteria provided, single submitter. Criteria: Invitae Variant Classification Sherloc (09022015). Collection method: clinical testing. Allele origin: germline.
Comment: This sequence change replaces proline, which is neutral and non-polar, with leucine, which is neutral and non-polar, at codon 174 of the CD320 protein (p.Pro174Leu). This variant is present in population databases (rs368024906, gnomAD 0.006%). This variant has not been reported in the literature in individuals affected with CD320-related conditions. ClinVar contains an entry for this variant (Variation ID: 2060586). An algorithm developed to predict the effect of missense changes on protein structure and function outputs the following: PolyPhen-2: "Benign". The leucine amino acid residue is found in multiple mammalian species, which suggests that this missense change does not adversely affect protein function. In summary, the available evidence is currently insufficient to determine the role of this variant in disease. Therefore, it has been classified as a Variant of Uncertain Significance.